The following is an entry in ClinVar:

ClinVar aggregate classification (germline): Uncertain significance (1 of 4 stars; one submission).

Conditions:
Hereditary cancer-predisposing syndrome. Also called: Neoplastic Syndromes, Hereditary; Tumor predisposition; Hereditary Cancer Syndrome; Hereditary neoplastic syndrome. Identifiers: Orphanet 140162, MedGen C0027672, MeSH D009386, MONDO:0015356.

Submission:

Color Diagnostics, LLC DBA Color Health
Classification: Uncertain significance for Hereditary cancer-predisposing syndrome. Last evaluated: 2023-12-04. Review status: criteria provided, single submitter. Criteria: ACMG Guidelines, 2015. Collection method: clinical testing. Allele origin: germline.
Comment: This missense variant replaces alanine with proline at codon 10 of the CDH1 protein. To our knowledge, functional studies have not been reported for this variant. This variant has not been reported in individuals affected with CDH1-related disorders in the literature. This variant has not been identified in the general population by the Genome Aggregation Database (gnomAD). The available evidence is insufficient to determine the role of this variant in disease conclusively. Therefore, this variant is classified as a Variant of Uncertain Significance.

NM_004360.5(CDH1):c.28G>C (p.Ala10Pro)

Gene: CDH1 (cadherin 1; plus strand). Cytogenetic location: 16q22.1.
Variant type: single nucleotide variant.
Coding change: c.28G>C on transcript NM_004360.5 (MANE Select); coding-DNA position 28, G replaced by C.
Protein change: p.Ala10Pro; replaces alanine 10 with proline.
Molecular consequence: missense variant. On other transcripts: 5 prime UTR variant (2).
Genome position (GRCh38, 1-based): chr16:68,737,443, G>C. VCF-style: chr16-68737443-G-C. GRCh37 (hg19) VCF-style: chr16-68771346-G-C.
Other names: c.28G>C, p.Ala10Pro (NM_001317184.2); c.-1588G>C (NM_001317185.2); c.-1792G>C (NM_001317186.2); short protein forms A10P.
Identifiers: ClinVar variation 918393 (VCV000918393.4), dbSNP rs1053572488, ClinGen allele CA396451350.
Genomic context (GRCh38, chr16:68,737,443, plus strand): 5'-GCGCCTGCCCTCGCTCGGCGTCCCCGGCCAGCCATGGGCCCTTGGAGCCGCAGCCTCTCG[G>C]CGCTGCTGCTGCTGCTGCAGGTACCCCGGATCCCCTGACTTGCGAGGGACGCATTCGGGC-3'
Protein context (NP_004351.1, residues 1-20): MGPWSRSLS[Ala10Pro]LLLLLQVSSW